The following is an entry in ClinVar:

ClinVar aggregate classification (germline): Uncertain significance (1 of 4 stars; one submission).

Conditions:
ZSWIM6-related disorder. Also called: ZSWIM6-related condition.

Submission:

PreventionGenetics, part of Exact Sciences
Classification: Uncertain significance for ZSWIM6-related condition. Last evaluated: 2023-04-15. Review status: criteria provided, single submitter. Criteria: ACMG Guidelines, 2015. Collection method: clinical testing. Allele origin: germline.
Comment: The ZSWIM6 c.433G>T variant is predicted to result in the amino acid substitution p.Gly145Cys. To our knowledge, this variant has not been reported in the literature or in a large population database, indicating this variant is rare. At this time, the clinical significance of this variant is uncertain due to the absence of conclusive functional and genetic evidence.

NM_020928.2(ZSWIM6):c.433G>T (p.Gly145Cys)

Gene: ZSWIM6 (zinc finger SWIM-type containing 6; plus strand). Cytogenetic location: 5q12.1.
Variant type: single nucleotide variant.
Coding change: c.433G>T on transcript NM_020928.2 (MANE Select); coding-DNA position 433, G replaced by T.
Protein change: p.Gly145Cys; replaces glycine 145 with cysteine.
Molecular consequence: missense variant.
Genome position (GRCh38, 1-based): chr5:61,332,705, G>T. VCF-style: chr5-61332705-G-T. GRCh37 (hg19) VCF-style: chr5-60628532-G-T.
Other names: short protein forms G145C.
Identifiers: ClinVar variation 2634807 (VCV002634807.1), dbSNP rs2478707437, ClinGen allele CA359940706.
Genomic context (GRCh38, chr5:61,332,705, plus strand): 5'-TCGTCCTTCAACACCGGCGGCGGCGCCGCGGGCGGCCCCGGCGACGACAGCGGTGGCGGC[G>T]GCGGCGCGGGCGGCGGCGGCGGCGGCGGCTCCTCGTCTTCCCCGGCCGCAACCTCGGCGG-3'
Protein context (NP_065979.1, residues 135-155): GGPGDDSGGG[Gly145Cys]GAGGGGGGGS